The following is an entry in ClinVar:

NM_005076.5(CNTN2):c.1171G>A (p.Gly391Ser)

Gene: CNTN2 (contactin 2; plus strand). Cytogenetic location: 1q32.1.
Variant type: single nucleotide variant.
Coding change: c.1171G>A on transcript NM_005076.5 (MANE Select); coding-DNA position 1171, G replaced by A.
Protein change: p.Gly391Ser; replaces glycine 391 with serine.
Molecular consequence: missense variant. On other transcripts: non-coding transcript variant (1).
Genome position (GRCh38, 1-based): chr1:205,062,500, G>A. VCF-style: chr1-205062500-G-A. GRCh37 (hg19) VCF-style: chr1-205031628-G-A.
Other names: c.1171G>A, p.Gly391Ser (NM_001346083.2); short protein forms G391S.
Identifiers: ClinVar variation 662506 (VCV000662506.8), dbSNP rs1574648714, ClinGen allele CA344374499.
Genomic context (GRCh38, chr1:205,062,500, plus strand): 5'-AACCGGGTGGAGGTGTTGGCTGGGGACCTGCGGTTCTCCAAGCTGAGCCTGGAAGACTCG[G>A]GCATGTACCAGTGTGTGGCAGAGAATAAGCACGGTACCATCTACGCCAGCGCCGAGCTAG-3'
Protein context (NP_005067.1, residues 381-401): RFSKLSLEDS[Gly391Ser]MYQCVAENKH

ClinVar aggregate classification (germline): Uncertain significance (1 of 4 stars; one submission).

Conditions:
Epilepsy, familial adult myoclonic, 5 (EPEO5). Also called: CORTICAL MYOCLONIC TREMOR WITH EPILEPSY, FAMILIAL, 5. Identifiers: Orphanet 86814, MedGen C3809374, MONDO:0014167, OMIM 615400.

Submission:

Labcorp Genetics (formerly Invitae), Labcorp
Classification: Uncertain significance for Epilepsy, familial adult myoclonic, 5. Last evaluated: 2018-08-28. Review status: criteria provided, single submitter. Criteria: Invitae Variant Classification Sherloc (09022015). Collection method: clinical testing. Allele origin: germline.
Comment: This sequence change replaces glycine with serine at codon 391 of the CNTN2 protein (p.Gly391Ser). The glycine residue is highly conserved and there is a small physicochemical difference between glycine and serine. This variant is not present in population databases (ExAC no frequency). This variant has not been reported in the literature in individuals with CNTN2-related disease. Algorithms developed to predict the effect of missense changes on protein structure and function (SIFT, PolyPhen-2, Align-GVGD) all suggest that this variant is likely to be disruptive, but these predictions have not been confirmed by published functional studies and their clinical significance is uncertain. In summary, the available evidence is currently insufficient to determine the role of this variant in disease. Therefore, it has been classified as a Variant of Uncertain Significance.